The following is an entry in ClinVar:

NM_004586.3(RPS6KA3):c.1227+9A>T

Gene: RPS6KA3 (ribosomal protein S6 kinase A3; minus strand). Cytogenetic location: Xp22.12.
Variant type: single nucleotide variant.
Coding change: c.1227+9A>T on transcript NM_004586.3 (MANE Select); 9 bases into the intron after coding-DNA position 1227, A replaced by T.
Molecular consequence: intron variant.
Genome position (GRCh38, 1-based): chrX:20,175,155, T>A on the plus strand (A>T on the coding strand, the complement: RPS6KA3 is on the minus strand). VCF-style: chrX-20175155-T-A. GRCh37 (hg19) VCF-style: chrX-20193273-T-A.
Identifiers: ClinVar variation 932031 (VCV000932031.5), dbSNP rs776061198, ClinGen allele CA10366150.

ClinVar aggregate classification (germline): Conflicting classifications of pathogenicity. Review status: criteria provided, conflicting classifications (1 of 4 stars). 3 submissions from 3 submitters: Uncertain significance (1); Likely benign (1). 1 of the submissions does not count toward it. Last evaluated 2024-03-12.

Conditions:
RPS6KA3-related disorder. Also called: RPS6KA3-related condition.
Intellectual developmental disorder, X-linked 19. Also called: Intellectual disability, X-linked 19. Identifiers: Orphanet 777, MedGen C0796225, MONDO:0010447, OMIM 300844.

Allele frequency attached by ClinVar (database versions not stated): ExAC 0.00001; gnomAD 0.00003; TOPMed 0.00002.

Submissions (3):

Blueprint Genetics
Classification: Likely benign. Last evaluated: 2024-03-12. Review status: criteria provided, single submitter. Criteria: ACMG Guidelines, 2015. Collection method: clinical testing. Allele origin: germline.

Centre for Mendelian Genomics, University Medical Centre Ljubljana
Classification: Uncertain significance for Intellectual developmental disorder, X-linked 19. Last evaluated: 2019-06-22. Review status: criteria provided, single submitter. Criteria: ACMG Guidelines, 2015. Collection method: clinical testing. Allele origin: unknown. Affected: yes.
Comment: This variant was classified as: Uncertain significance. The available evidence on this variant's pathogenicity is insufficient or conflicting. The following ACMG criteria were applied in classifying this variant: PM2. This variant was detected in hemizygous state.

PreventionGenetics, part of Exact Sciences
Classification: Likely benign for RPS6KA3-related condition. Last evaluated: 2024-04-22. Review status: no assertion criteria provided. Collection method: clinical testing. Allele origin: germline. Not counted in ClinVar's aggregate classification.
Comment: This variant is classified as likely benign based on ACMG/AMP sequence variant interpretation guidelines (Richards et al. 2015 PMID: 25741868, with internal and published modifications).